The following is an entry in ClinVar:

NM_004700.4(KCNQ4):c.746T>C (p.Leu249Pro)

Gene: KCNQ4 (potassium voltage-gated channel subfamily Q member 4; plus strand). Cytogenetic location: 1p34.2.
Variant type: single nucleotide variant.
Coding change: c.746T>C on transcript NM_004700.4 (MANE Select); coding-DNA position 746, T replaced by C.
Protein change: p.Leu249Pro; replaces leucine 249 with proline.
Molecular consequence: missense variant.
Genome position (GRCh38, 1-based): chr1:40,819,384, T>C. VCF-style: chr1-40819384-T-C. GRCh37 (hg19) VCF-style: chr1-41285056-T-C.
Other names: c.746T>C, p.Leu249Pro (NM_172163.3); short protein forms L249P.
Identifiers: ClinVar variation 2093853 (VCV002093853.6), dbSNP rs2523886466, ClinGen allele CA339895440.

ClinVar aggregate classification (germline): Uncertain significance. Review status: criteria provided, multiple submitters, no conflicts (2 of 4 stars). 3 submissions from 3 submitters: Uncertain significance (3). Last evaluated 2022-05-18.

Conditions:
Autosomal dominant nonsyndromic hearing loss. Also called: Rare autosomal dominant non-syndromic sensorineural deafness type DFNA. Identifiers: Orphanet 90635, MedGen C5779548, MONDO:0019587.

Submissions (3):

Blueprint Genetics
Classification: Uncertain significance. Last evaluated: 2022-05-18. Review status: criteria provided, single submitter. Criteria: ACMG Guidelines, 2015. Collection method: clinical testing. Allele origin: germline.

Labcorp Genetics (formerly Invitae), Labcorp
Classification: Uncertain significance. Last evaluated: 2022-04-12. Review status: criteria provided, single submitter. Criteria: Invitae Variant Classification Sherloc (09022015). Collection method: clinical testing. Allele origin: germline.
Comment: This sequence change replaces leucine, which is neutral and non-polar, with proline, which is neutral and non-polar, at codon 249 of the KCNQ4 protein (p.Leu249Pro). In summary, the available evidence is currently insufficient to determine the role of this variant in disease. Therefore, it has been classified as a Variant of Uncertain Significance. Advanced modeling of protein sequence and biophysical properties (such as structural, functional, and spatial information, amino acid conservation, physicochemical variation, residue mobility, and thermodynamic stability) performed at Invitae indicates that this missense variant is expected to disrupt KCNQ4 protein function. This variant has not been reported in the literature in individuals affected with KCNQ4-related conditions. This variant is not present in population databases (gnomAD no frequency).

Cambridge Genomics Laboratory, East Genomic Laboratory Hub, NHS Genomic Medicine Service
Classification: Uncertain significance for Autosomal dominant nonsyndromic hearing loss. Last evaluated: 2019-06-11. Review status: criteria provided, single submitter. Criteria: ACGS Best Practice Guidelines for Variant Classification in Rare Disease 2020. Collection method: clinical testing. Allele origin: germline. Affected: yes. Observed: 1 variant allele.